The following is an entry in ClinVar:

ClinVar aggregate classification (germline): Uncertain significance (1 of 4 stars; one submission).

Conditions:
Oto-palato-digital syndrome, type I (OPD1). Also called: OPD I SYNDROME; OPD SYNDROME 1; Taybi syndrome; Otopalatodigital Syndrome Type 1 (FLNA-OPD1); Otopalatodigital Syndrome, Type I. Identifiers: Orphanet 669, Orphanet 90650, MedGen C0265251, MONDO:0010704, OMIM 311300.

Submission:

Laboratory of Medical Genetics, National & Kapodistrian University of Athens
Classification: Uncertain significance for Oto-palato-digital syndrome, type I. Last evaluated: 2022-05-26. Review status: criteria provided, single submitter. Criteria: ACMG Guidelines, 2015. Collection method: clinical testing. Allele origin: maternal. Affected: yes.
Comment: PM2, PP3

NM_001110556.2(FLNA):c.5488G>C (p.Val1830Leu)

Gene: FLNA (filamin A; minus strand). Cytogenetic location: Xq28.
Variant type: single nucleotide variant.
Coding change: c.5488G>C on transcript NM_001110556.2 (MANE Select); coding-DNA position 5488, G replaced by C.
Protein change: p.Val1830Leu; replaces valine 1830 with leucine.
Molecular consequence: missense variant.
Genome position (GRCh38, 1-based): chrX:154,354,220, C>G on the plus strand (G>C on the coding strand, the complement: FLNA is on the minus strand). VCF-style: chrX-154354220-C-G. GRCh37 (hg19) VCF-style: chrX-153582588-C-G.
Other names: c.5464G>C, p.Val1822Leu (NM_001456.4); short protein forms V1822L, V1830L.
Identifiers: ClinVar variation 1708080 (VCV001708080.1), dbSNP rs782505945, ClinGen allele CA415204108.